The following is an entry in ClinVar:

ClinVar aggregate classification (germline): Uncertain significance (1 of 4 stars; one submission).

Conditions:
Hypertrophic cardiomyopathy. Also called: HYPERTROPHIC MYOCARDIOPATHY. Identifiers: Orphanet 217569, MedGen C0007194, MeSH D002312, MONDO:0005045, HP:0001639.

Submission:

Labcorp Genetics (formerly Invitae), Labcorp
Classification: Uncertain significance for Hypertrophic cardiomyopathy. Last evaluated: 2025-08-06. Review status: criteria provided, single submitter. Criteria: Invitae Variant Classification Sherloc (09022015). Collection method: clinical testing. Allele origin: germline.
Comment: This sequence change falls in intron 36 of the MYOM1 gene. It does not directly change the encoded amino acid sequence of the MYOM1 protein. It affects a nucleotide within the consensus splice site. This variant is present in population databases (no rsID available, gnomAD 0.007%). This variant has not been reported in the literature in individuals affected with MYOM1-related conditions. Variants that disrupt the consensus splice site are a relatively common cause of aberrant splicing (PMID: 17576681, 9536098). Algorithms developed to predict the effect of sequence changes on RNA splicing suggest that this variant may disrupt the consensus splice site. In summary, the available evidence is currently insufficient to determine the role of this variant in disease. Therefore, it has been classified as a Variant of Uncertain Significance.

Literature cited by the submitters: PubMed 17576681; PubMed 9536098.

NM_003803.4(MYOM1):c.4708+5_4708+8del

Gene: MYOM1 (myomesin 1; minus strand). Cytogenetic location: 18p11.31.
Variant type: Microsatellite.
Coding change: c.4708+5_4708+8del on transcript NM_003803.4 (MANE Select); bases 5 to 8 of the intron after coding-DNA position 4708, 4 bases deleted (GTAA; older notation c.4708+5_4708+8delGTAA).
Molecular consequence: splice donor variant.
Genome position (GRCh38, 1-based): chr18:3,075,446-3,075,449, TTAC deleted on the plus strand (GTAA on the coding strand, the reverse complement: MYOM1 is on the minus strand); deleting any 4 consecutive bases within chr18:3,075,446-3,075,455 gives the same sequence; the c. name uses the placement nearest the transcript's 3' end. VCF-style (leftmost placement, unchanged base first): chr18-3075445-TTTAC-T. GRCh37 (hg19) VCF-style: chr18-3075443-TTTAC-T.
Other names: c.4420+5_4420+8del (NM_019856.2).
Identifiers: ClinVar variation 1410262 (VCV001410262.6), dbSNP rs1176683166, ClinGen allele CA628058046.